The following is an entry in ClinVar:

ClinVar aggregate classification (germline): Likely benign (1 of 4 stars; one submission).

Allele frequency attached by ClinVar (database versions not stated): ExAC 0.00001; gnomAD 0.00001; gnomAD exomes 0.00001; TOPMed 0.00002.
gnomAD v4.1: 10 of 1,610,138 alleles (0.00062%); highest among the groups gnomAD compares: Non-Finnish European, 0.00085%; no homozygotes.

Submission:

CeGaT Center for Human Genetics Tuebingen
Classification: Likely benign. Last evaluated: 2022-12-01. Review status: criteria provided, single submitter. Criteria: CeGaT Center For Human Genetics Tuebingen Variant Classification Criteria Version 2. Collection method: clinical testing. Allele origin: germline. Affected: yes. Observed: 1 variant allele.
Comment: GOLM1: BP4, BP7

NM_016548.4(GOLM1):c.825C>T (p.Gly275=)

Gene: GOLM1 (golgi membrane protein 1; minus strand). Cytogenetic location: 9q21.33.
Variant type: single nucleotide variant.
Coding change: c.825C>T on transcript NM_016548.4 (MANE Select); coding-DNA position 825, C replaced by T.
Protein change: p.Gly275=; no amino-acid change (glycine 275 retained).
Molecular consequence: synonymous variant.
Genome position (GRCh38, 1-based): chr9:86,035,558, G>A on the plus strand (C>T on the coding strand, the complement: GOLM1 is on the minus strand). VCF-style: chr9-86035558-G-A. GRCh37 (hg19) VCF-style: chr9-88650473-G-A.
Other names: c.825C>T, p.Gly275= (NM_177937.3).
Identifiers: ClinVar variation 2659287 (VCV002659287.24), dbSNP rs781336172, ClinGen allele CA5107778.